The following is an entry in ClinVar:

NM_000528.4(MAN2B1):c.65G>A (p.Trp22Ter)

Genes: MAN2B1 (mannosidase alpha class 2B member 1; minus strand), LOC130063650 (ATAC-STARR-seq lymphoblastoid silent region 10156; plus strand). Cytogenetic location: 19p13.13.
Variant type: single nucleotide variant.
Coding change: c.65G>A on transcript NM_000528.4 (MANE Select); coding-DNA position 65, G replaced by A.
Protein change: p.Trp22Ter; replaces tryptophan 22 with a stop codon.
Molecular consequence: nonsense.
Genome position (GRCh38, 1-based): chr19:12,666,637, C>T on the plus strand (G>A on the coding strand, the complement: MAN2B1 is on the minus strand). VCF-style: chr19-12666637-C-T. GRCh37 (hg19) VCF-style: chr19-12777451-C-T.
Other names: c.65G>A, p.Trp22Ter (NM_001173498.2); short protein forms W22*.
Identifiers: ClinVar variation 632304 (VCV000632304.23), dbSNP rs766383135, ClinGen allele CA9226910.

ClinVar aggregate classification (germline): Conflicting classifications of pathogenicity. Review status: criteria provided, conflicting classifications (1 of 4 stars). 9 submissions from 9 submitters: Pathogenic (4); Likely pathogenic (3); Uncertain significance (2). Last evaluated 2025-11-06.

Conditions:
Inborn genetic diseases. Identifiers: MedGen C0950123, MeSH D030342.
Deficiency of alpha-mannosidase (MANSA). Also called: Alpha-Mannosidosis; Mannosidosis, alpha-, types I and II; LYSOSOMAL ALPHA-D-MANNOSIDASE DEFICIENCY. Identifiers: Orphanet 61, MedGen C0024748, MONDO:0009561, OMIM 248500.
MAN2B1-related disorder. Also called: MAN2B1-related condition.

Allele frequency attached by ClinVar (database versions not stated): ExAC below 0.00001; gnomAD exomes 0.00001; gnomAD 0.00013 and 0.00014; TOPMed 0.00013.
gnomAD v4.1: 29 of 1,554,440 alleles (0.0019%); highest among the groups gnomAD compares: African/African-American, 0.04%; no homozygotes.

Submissions (9):

Women's Health and Genetics/Laboratory Corporation of America, LabCorp
Classification: Pathogenic for Deficiency of alpha-mannosidase. Last evaluated: 2025-11-06. Review status: criteria provided, single submitter. Criteria: LabCorp Variant Classification Summary - May 2015. Collection method: clinical testing. Allele origin: germline.
Comment: Variant summary: MAN2B1 c.65G>A (p.Trp22X) results in a premature termination codon, predicted to cause a truncation of the encoded protein or absence of the protein due to nonsense mediated decay, which are commonly known mechanisms for disease. The variant allele was found at a frequency of 1.3e-05 in 152398 control chromosomes. To our knowledge, no occurrence of c.65G>A in individuals affected with MAN2B1-related conditions and no experimental evidence demonstrating its impact on protein function have been reported. ClinVar contains an entry for this variant (Variation ID: 632304). Based on the evidence outlined above, the variant was classified as pathogenic.

Natera, Inc.
Classification: Likely pathogenic for Alpha-mannosidosis. Last evaluated: 2025-04-25. Review status: criteria provided, single submitter. Criteria: Natera Variant Classification Schema (03/2026). Collection method: clinical testing. Allele origin: germline.
Comment: The c.65G>A variant in MAN2B1 is a nonsense variant predicted to introduce a stop codon at amino acid 22. This variant is expected to result in nonsense mediated decay, truncation, or a dysfunctional protein product. This variant is rare in the general population with a frequency below the threshold expected for the associated phenotype(s). Given the available evidence, this variant is classified as Likely Pathogenic.

Fulgent Genetics
Classification: Uncertain significance for Deficiency of alpha-mannosidase. Last evaluated: 2024-04-24. Review status: criteria provided, single submitter. Criteria: ACMG Guidelines, 2015. Collection method: clinical testing. Allele origin: germline.

Baylor Genetics
Classification: Pathogenic for Deficiency of alpha-mannosidase. Last evaluated: 2024-03-09. Review status: criteria provided, single submitter. Criteria: ACMG Guidelines, 2015. Collection method: clinical testing. Allele origin: unknown.

Labcorp Genetics (formerly Invitae), Labcorp
Classification: Pathogenic for Deficiency of alpha-mannosidase. Last evaluated: 2024-01-25. Review status: criteria provided, single submitter. Criteria: Invitae Variant Classification Sherloc (09022015). Collection method: clinical testing. Allele origin: germline.
Comment: This sequence change creates a premature translational stop signal (p.Trp22*) in the MAN2B1 gene. It is expected to result in an absent or disrupted protein product. Loss-of-function variants in MAN2B1 are known to be pathogenic (PMID: 9915946, 22161967). This variant is present in population databases (rs766383135, gnomAD 0.04%). This variant has not been reported in the literature in individuals affected with MAN2B1-related conditions. ClinVar contains an entry for this variant (Variation ID: 632304). For these reasons, this variant has been classified as Pathogenic.

Blueprint Genetics
Classification: Likely pathogenic for MAN2B1-related disorders. Last evaluated: 2022-05-24. Review status: criteria provided, single submitter. Criteria: ACMG Guidelines, 2015. Collection method: clinical testing. Allele origin: germline. Affected: yes. Observed: 1 variant allele.

Ambry Genetics
Classification: Uncertain significance for Inborn genetic diseases. Last evaluated: 2022-05-06. Review status: criteria provided, single submitter. Criteria: Ambry Variant Classification Scheme 2023. Collection method: clinical testing. Allele origin: germline.
Comment: May escape nonsense-mediated mRNA decay and/or be rescued by re-initiation Based on insufficient or conflicting evidence, the clinical significance of this alteration remains unclear.

Genome-Nilou Lab
Classification: Likely pathogenic for Deficiency of alpha-mannosidase. Last evaluated: 2021-09-05. Review status: criteria provided, single submitter. Criteria: ACMG Guidelines, 2015. Collection method: clinical testing. Allele origin: germline. Affected: no.

Revvity Omics, Revvity
Classification: Pathogenic for Deficiency of alpha-mannosidase. Last evaluated: 2020-10-08. Review status: criteria provided, single submitter. Criteria: ACMG Guidelines, 2015. Collection method: clinical testing. Allele origin: germline.

Literature cited by the submitters: PubMed 9915946 (cited by Labcorp Genetics (formerly Invitae), Labcorp); PubMed 22161967 (cited by Labcorp Genetics (formerly Invitae), Labcorp).